The following is an entry in ClinVar:

NM_012200.4(B3GAT3):c.246del (p.Thr83fs)

Gene: B3GAT3 (beta-1,3-glucuronyltransferase 3; minus strand). Cytogenetic location: 11q12.3.
Variant type: Deletion.
Coding change: c.246del on transcript NM_012200.4 (MANE Select); coding-DNA position 246, one base deleted (C; older notation c.246delC).
Protein change: p.Thr83fs; shifts the reading frame from threonine 83.
Molecular consequence: frameshift variant. On other transcripts: non-coding transcript variant (1).
Genome position (GRCh38, 1-based): chr11:62,620,508, G deleted on the plus strand (C on the coding strand, the reverse complement: B3GAT3 is on the minus strand); the first of 5 consecutive G bases (chr11:62,620,508-62,620,512); deleting any one gives the same sequence. VCF-style (leftmost placement, unchanged base first): chr11-62620507-TG-T. GRCh37 (hg19) VCF-style: chr11-62387979-TG-T.
Other names: c.225del, p.Thr76fs (NM_001288721.2); c.246del, p.Thr83fs (NM_001288722.2, NM_001288723.2); short protein forms T76fs, T83fs.
Identifiers: ClinVar variation 3685902 (VCV003685902.2).

ClinVar aggregate classification (germline): Pathogenic (1 of 4 stars; one submission).

Conditions:
Larsen-like syndrome, B3GAT3 type. Also called: Multiple joint dislocations, short stature, craniofacial dysmorphism, with or without congenital heart defects; MULTIPLE JOINT DISLOCATIONS, SHORT STATURE, AND CRANIOFACIAL DYSMORPHISM WITH OR WITHOUT CONGENITAL HEART DEFECTS. Identifiers: Orphanet 284139, MedGen CN034159, MONDO:0009511, OMIM 245600.

Submission:

Labcorp Genetics (formerly Invitae), Labcorp
Classification: Pathogenic for Larsen-like syndrome, B3GAT3 type. Last evaluated: 2024-05-28. Review status: criteria provided, single submitter. Criteria: Invitae Variant Classification Sherloc (09022015). Collection method: clinical testing. Allele origin: germline.
Comment: This sequence change creates a premature translational stop signal (p.Thr83Profs*18) in the B3GAT3 gene. It is expected to result in an absent or disrupted protein product. Loss-of-function variants in B3GAT3 are known to be pathogenic (PMID: 25893793, 27871226). This variant is not present in population databases (gnomAD no frequency). This variant has not been reported in the literature in individuals affected with B3GAT3-related conditions. For these reasons, this variant has been classified as Pathogenic.

Literature cited by the submitters: PubMed 25893793; PubMed 27871226.